The following is an entry in ClinVar:

NM_000718.4(CACNA1B):c.1709G>A (p.Ser570Asn)

Gene: CACNA1B (calcium voltage-gated channel subunit alpha1 B; plus strand). Cytogenetic location: 9q34.3.
Variant type: single nucleotide variant.
Coding change: c.1709G>A on transcript NM_000718.4 (MANE Select); coding-DNA position 1709, G replaced by A.
Protein change: p.Ser570Asn; replaces serine 570 with asparagine.
Molecular consequence: missense variant.
Genome position (GRCh38, 1-based): chr9:137,984,190, G>A. VCF-style: chr9-137984190-G-A. GRCh37 (hg19) VCF-style: chr9-140878642-G-A.
Other names: c.1709G>A, p.Ser570Asn (NM_001243812.2); short protein forms S570N.
Identifiers: ClinVar variation 2797175 (VCV002797175.3), dbSNP rs2539292257, ClinGen allele CA375807716.
Genomic context (GRCh38, chr9:137,984,190, plus strand): 5'-CGTTGCAGGTCATCGTGGGGAGCGTCTTTGAAGTGGTCTGGGCGGCCATCAAGCCGGGAA[G>A]CTCCTTTGGGATCAGTGTGCTGCGGGCCCTCCGCCTGCTGAGGATCTTCAAAGTCACGAA-3'
Protein context (NP_000709.1, residues 560-580): EVVWAAIKPG[Ser570Asn]SFGISVLRAL

ClinVar aggregate classification (germline): Uncertain significance (1 of 4 stars; one submission).

Submission:

Labcorp Genetics (formerly Invitae), Labcorp
Classification: Uncertain significance. Last evaluated: 2023-12-28. Review status: criteria provided, single submitter. Criteria: Invitae Variant Classification Sherloc (09022015). Collection method: clinical testing. Allele origin: germline.
Comment: This sequence change replaces serine, which is neutral and polar, with asparagine, which is neutral and polar, at codon 570 of the CACNA1B protein (p.Ser570Asn). This variant is not present in population databases (gnomAD no frequency). This variant has not been reported in the literature in individuals affected with CACNA1B-related conditions. Advanced modeling of protein sequence and biophysical properties (such as structural, functional, and spatial information, amino acid conservation, physicochemical variation, residue mobility, and thermodynamic stability) performed at Invitae indicates that this missense variant is not expected to disrupt CACNA1B protein function with a negative predictive value of 80%. In summary, the available evidence is currently insufficient to determine the role of this variant in disease. Therefore, it has been classified as a Variant of Uncertain Significance.